The following is an entry in ClinVar:

NM_001379286.1(ZNF423):c.1623C>T (p.Thr541=)

Gene: ZNF423 (zinc finger protein 423; minus strand). Cytogenetic location: 16q12.1.
Variant type: single nucleotide variant.
Coding change: c.1623C>T on transcript NM_001379286.1 (MANE Select); coding-DNA position 1623, C replaced by T.
Protein change: p.Thr541=; no amino-acid change (threonine 541 retained).
Molecular consequence: synonymous variant.
Genome position (GRCh38, 1-based): chr16:49,637,553, G>A on the plus strand (C>T on the coding strand, the complement: ZNF423 is on the minus strand). VCF-style: chr16-49637553-G-A. GRCh37 (hg19) VCF-style: chr16-49671464-G-A.
Other names: c.1419C>T, p.Thr473= (NM_001271620.2); c.1248C>T, p.Thr416= (NM_001330533.2); c.1599C>T, p.Thr533= (NM_015069.5); c.1599C>T (NM_015069.4).
Identifiers: ClinVar variation 1541454 (VCV001541454.31), dbSNP rs558769719, ClinGen allele CA8046651.

ClinVar aggregate classification (germline): Likely benign. Review status: criteria provided, multiple submitters, no conflicts (2 of 4 stars). 4 submissions from 4 submitters: Likely benign (4). Last evaluated 2025-11-17.

Conditions:
ZNF423-related disorder. Also called: ZNF423-related condition.
Nephronophthisis 14 (NPHP14). Identifiers: Orphanet 2318, MedGen C3539071, MONDO:0013916, OMIM 614844.

Allele frequency attached by ClinVar (database versions not stated): ExAC 0.00001; gnomAD 0.00001 and 0.00003; gnomAD exomes 0.00001; TOPMed 0.00003; 1000 Genomes Project 0.00020; 1000 Genomes Project 30x 0.00031.
gnomAD v4.1: 98 of 1,614,084 alleles (0.0061%); highest among the groups gnomAD compares: Non-Finnish European, 0.008%; no homozygotes.

Submissions (4):

Labcorp Genetics (formerly Invitae), Labcorp
Classification: Likely benign for Nephronophthisis 14. Last evaluated: 2025-11-17. Review status: criteria provided, single submitter. Criteria: Invitae Variant Classification Sherloc (09022015). Collection method: clinical testing. Allele origin: germline.

PreventionGenetics, part of Exact Sciences
Classification: Likely benign for ZNF423-related condition. Last evaluated: 2025-09-02. Review status: criteria provided, single submitter. Criteria: ACMG Guidelines, 2015. Collection method: clinical testing. Allele origin: germline.
Comment: This variant is classified as likely benign based on ACMG/AMP sequence variant interpretation guidelines (Richards et al. 2015 PMID: 25741868, with internal and published modifications).

CeGaT Center for Human Genetics Tuebingen
Classification: Likely benign. Last evaluated: 2024-03-01. Review status: criteria provided, single submitter. Criteria: CeGaT Center For Human Genetics Tuebingen Variant Classification Criteria Version 2. Collection method: clinical testing. Allele origin: germline. Affected: yes. Observed: 1 variant allele.
Comment: ZNF423: BP4, BP7

Blueprint Genetics
Classification: Likely benign. Last evaluated: 2023-03-24. Review status: criteria provided, single submitter. Criteria: ACMG Guidelines, 2015. Collection method: clinical testing. Allele origin: germline.